The following is an entry in ClinVar:

NM_012193.4(FZD4):c.*2581G>T

Genes: FZD4 (frizzled class receptor 4; minus strand), PRSS23 (serine protease 23; plus strand). Cytogenetic location: 11q14.2.
Variant type: single nucleotide variant.
Coding change: c.*2581G>T on transcript NM_012193.4 (MANE Select); 2581 bases downstream of the stop codon, G replaced by T.
Molecular consequence: 3 prime UTR variant.
Genome position (GRCh38, 1-based): chr11:86,948,561, C>A on the plus strand (G>T on the coding strand, the complement: FZD4 is on the minus strand). VCF-style: chr11-86948561-C-A. GRCh37 (hg19) VCF-style: chr11-86659603-C-A.
Identifiers: ClinVar variation 306373 (VCV000306373.5), dbSNP rs60226660, ClinGen allele CA10631692.

ClinVar aggregate classification (germline): Benign (1 of 4 stars; one submission).

Conditions:
Exudative vitreoretinopathy 1 (EVR1). Also called: CRISWICK-SCHEPENS SYNDROME; FEVR, AUTOSOMAL DOMINANT; Familial exudative vitreoretinopathy, autosomal dominant. Identifiers: Orphanet 891, Orphanet 90050, MedGen C1851402, MONDO:0007589, OMIM 133780.

Allele frequency attached by ClinVar (database versions not stated): TOPMed 0.00749; gnomAD 0.00774; 1000 Genomes Project 0.01058; 1000 Genomes Project 30x 0.01202.

Submission:

Illumina Laboratory Services, Illumina
Classification: Benign for Exudative vitreoretinopathy 1. Last evaluated: 2018-01-13. Review status: criteria provided, single submitter. Criteria: ICSL Variant Classification Criteria 13 December 2019. Collection method: clinical testing. Allele origin: germline.
Comment: This variant was observed in the ICSL laboratory as part of a predisposition screen in an ostensibly healthy population. It had not been previously curated by ICSL or reported in the Human Gene Mutation Database (HGMD: prior to June 1st, 2018), and was therefore a candidate for classification through an automated scoring system. Utilizing variant allele frequency, disease prevalence and penetrance estimates, and inheritance mode, an automated score was calculated to assess if this variant is too frequent to cause the disease. Based on the score and internal cut-off values, a variant classified as benign is not then subjected to further curation. The score for this variant resulted in a classification of benign for this disease.